The following is an entry in ClinVar:

NM_144670.6(A2ML1):c.917A>G (p.Tyr306Cys)

Gene: A2ML1 (alpha-2-macroglobulin like 1; plus strand). Cytogenetic location: 12p13.31.
Variant type: single nucleotide variant.
Coding change: c.917A>G on transcript NM_144670.6 (MANE Select); coding-DNA position 917, A replaced by G.
Protein change: p.Tyr306Cys; replaces tyrosine 306 with cysteine.
Molecular consequence: missense variant.
Genome position (GRCh38, 1-based): chr12:8,838,397, A>G. VCF-style: chr12-8838397-A-G. GRCh37 (hg19) VCF-style: chr12-8990993-A-G.
Other names: short protein forms Y306C.
Identifiers: ClinVar variation 4738404 (VCV004738404.1).

ClinVar aggregate classification (germline): Uncertain significance (1 of 4 stars; one submission).

gnomAD v4.1: 1 of 1,614,016 alleles (0.000062%); highest among the groups gnomAD compares: Non-Finnish European, 0.000085%; no homozygotes.

Submission:

Labcorp Genetics (formerly Invitae), Labcorp
Classification: Uncertain significance. Last evaluated: 2025-08-03. Review status: criteria provided, single submitter. Criteria: Invitae Variant Classification Sherloc (09022015). Collection method: clinical testing. Allele origin: germline.
Comment: This sequence change replaces tyrosine, which is neutral and polar, with cysteine, which is neutral and slightly polar, at codon 306 of the A2ML1 protein (p.Tyr306Cys). This variant is not present in population databases (gnomAD no frequency). This variant has not been reported in the literature in individuals affected with A2ML1-related conditions. An algorithm developed to predict the effect of missense changes on protein structure and function (PolyPhen-2) suggests that this variant is likely to be disruptive. In summary, the available evidence is currently insufficient to determine the role of this variant in disease. Therefore, it has been classified as a Variant of Uncertain Significance.